The following is an entry in ClinVar:

ClinVar aggregate classification (germline): Uncertain significance (1 of 4 stars; one submission).

Submission:

Labcorp Genetics (formerly Invitae), Labcorp
Classification: Uncertain significance. Last evaluated: 2021-12-24. Review status: criteria provided, single submitter. Criteria: Invitae Variant Classification Sherloc (09022015). Collection method: clinical testing. Allele origin: germline.
Comment: This sequence change replaces threonine, which is neutral and polar, with alanine, which is neutral and non-polar, at codon 201 of the DTHD1 protein (p.Thr201Ala). This variant is not present in population databases (gnomAD no frequency). This variant has not been reported in the literature in individuals affected with DTHD1-related conditions. Algorithms developed to predict the effect of missense changes on protein structure and function are either unavailable or do not agree on the potential impact of this missense change (SIFT: "Deleterious"; PolyPhen-2: "Benign"; Align-GVGD: "Class C55"). In summary, the available evidence is currently insufficient to determine the role of this variant in disease. Therefore, it has been classified as a Variant of Uncertain Significance.

NM_001170700.3(DTHD1):c.1471A>G (p.Thr491Ala)

Gene: DTHD1 (death domain containing 1; plus strand). Cytogenetic location: 4p14.
Variant type: single nucleotide variant.
Coding change: c.1471A>G on transcript NM_001170700.3 (MANE Select); coding-DNA position 1471, A replaced by G.
Protein change: p.Thr491Ala; replaces threonine 491 with alanine.
Molecular consequence: missense variant. On other transcripts: non-coding transcript variant (2).
Genome position (GRCh38, 1-based): chr4:36,294,867, A>G. VCF-style: chr4-36294867-A-G. GRCh37 (hg19) VCF-style: chr4-36296489-A-G.
Other names: c.601A>G, p.Thr201Ala (NM_001136536.5); c.538A>G, p.Thr180Ala (NM_001378435.1); short protein forms T180A, T491A, T201A.
Identifiers: ClinVar variation 2056346 (VCV002056346.4), dbSNP rs2529730721, ClinGen allele CA356679879.